The following is an entry in ClinVar:

ClinVar aggregate classification (germline): Pathogenic (1 of 4 stars; one submission).

Submission:

Labcorp Genetics (formerly Invitae), Labcorp
Classification: Pathogenic. Last evaluated: 2023-09-20. Review status: criteria provided, single submitter. Criteria: Invitae Variant Classification Sherloc (09022015). Collection method: clinical testing. Allele origin: germline.
Comment: This variant has not been reported in the literature in individuals affected with CTNNB1-related conditions. For these reasons, this variant has been classified as Pathogenic. This variant is not present in population databases (gnomAD no frequency). This sequence change creates a premature translational stop signal (p.Lys625*) in the CTNNB1 gene. It is expected to result in an absent or disrupted protein product. Loss-of-function variants in CTNNB1 are known to be pathogenic (PMID: 23033978, 24614104, 25326669, 26350204, 28575650).

Literature cited by the submitters: PubMed 23033978; PubMed 24614104; PubMed 25326669; PubMed 26350204; PubMed 28575650.

NM_001904.4(CTNNB1):c.1873A>T (p.Lys625Ter)

Gene: CTNNB1 (catenin beta 1; plus strand). Cytogenetic location: 3p22.1.
Variant type: single nucleotide variant.
Coding change: c.1873A>T on transcript NM_001904.4 (MANE Select); coding-DNA position 1873, A replaced by T.
Protein change: p.Lys625Ter; replaces lysine 625 with a stop codon.
Molecular consequence: nonsense.
Genome position (GRCh38, 1-based): chr3:41,236,418, A>T. VCF-style: chr3-41236418-A-T. GRCh37 (hg19) VCF-style: chr3-41277909-A-T.
Other names: c.1873A>T, p.Lys625Ter (NM_001098209.2, NM_001098210.2); c.1852A>T, p.Lys618Ter (NM_001330729.2); short protein forms K625*, K618*.
Identifiers: ClinVar variation 2762213 (VCV002762213.3), dbSNP rs2470847228, ClinGen allele CA352236219.